The following is an entry in ClinVar:

NM_000257.4(MYH7):c.2963T>G (p.Ile988Ser)

Gene: MYH7 (myosin heavy chain 7; minus strand). Cytogenetic location: 14q11.2.
Variant type: single nucleotide variant.
Coding change: c.2963T>G on transcript NM_000257.4 (MANE Select); coding-DNA position 2963, T replaced by G.
Protein change: p.Ile988Ser; replaces isoleucine 988 with serine.
Molecular consequence: missense variant.
Genome position (GRCh38, 1-based): chr14:23,423,683, A>C on the plus strand (T>G on the coding strand, the complement: MYH7 is on the minus strand). VCF-style: chr14-23423683-A-C. GRCh37 (hg19) VCF-style: chr14-23892892-A-C.
Other names: c.2963T>G (LRG_384t1); short protein forms I988S.
Identifiers: ClinVar variation 423459 (VCV000423459.6), dbSNP rs989475429, ClinGen allele CA16619848.

ClinVar aggregate classification (germline): Uncertain significance. Review status: criteria provided, multiple submitters, no conflicts (2 of 4 stars). 2 submissions from 2 submitters: Uncertain significance (2). Last evaluated 2024-02-08.

Conditions:
Hypertrophic cardiomyopathy. Also called: HYPERTROPHIC MYOCARDIOPATHY. Identifiers: Orphanet 217569, MedGen C0007194, MeSH D002312, MONDO:0005045, HP:0001639.

Allele frequency attached by ClinVar (database versions not stated): TOPMed 0.00003.

Submissions (2):

Labcorp Genetics (formerly Invitae), Labcorp
Classification: Uncertain significance for Hypertrophic cardiomyopathy. Last evaluated: 2024-02-08. Review status: criteria provided, single submitter. Criteria: Invitae Variant Classification Sherloc (09022015). Collection method: clinical testing. Allele origin: germline.
Comment: This sequence change replaces isoleucine, which is neutral and non-polar, with serine, which is neutral and polar, at codon 988 of the MYH7 protein (p.Ile988Ser). This variant is not present in population databases (gnomAD no frequency). This variant has not been reported in the literature in individuals affected with MYH7-related conditions. ClinVar contains an entry for this variant (Variation ID: 423459). Advanced modeling of protein sequence and biophysical properties (such as structural, functional, and spatial information, amino acid conservation, physicochemical variation, residue mobility, and thermodynamic stability) performed at Invitae indicates that this missense variant is not expected to disrupt MYH7 protein function with a negative predictive value of 95%. In summary, the available evidence is currently insufficient to determine the role of this variant in disease. Therefore, it has been classified as a Variant of Uncertain Significance.

GeneDx
Classification: Uncertain significance. Last evaluated: 2017-02-08. Review status: criteria provided, single submitter. Criteria: GeneDx Variant Classification (06012015). Collection method: clinical testing. Allele origin: germline. Affected: yes.
Comment: The I988S variant has not been publishedas pathogenic or been reported as benign to our knowledge. It is not observed in large population cohorts (Lek et al.,2016; 1000 Genomes Consortium et al., 2015; Exome Variant Server). The I988S variant is a non-conservativeamino acid substitution, which is likely to impact secondary protein structure as these residues differ in polarity,charge, size and/or other properties. Moreover, this substitution occurs at a position that is conserved throughmammals. However, in silico analysis is inconsistent in its predictions as to whether or not the variant is damagingto the protein structure/function.